The following is an entry in ClinVar:

ClinVar aggregate classification (germline): Pathogenic (1 of 4 stars; one submission).

Submission:

Labcorp Genetics (formerly Invitae), Labcorp
Classification: Pathogenic. Last evaluated: 2023-12-20. Review status: criteria provided, single submitter. Criteria: Invitae Variant Classification Sherloc (09022015). Collection method: clinical testing. Allele origin: germline.
Comment: This sequence change creates a premature translational stop signal (p.Gln678*) in the CTNNA1 gene. It is expected to result in an absent or disrupted protein product. Loss-of-function variants in CTNNA1 are known to be pathogenic (PMID: 32051609, 34425242). This variant is not present in population databases (gnomAD no frequency). This variant has not been reported in the literature in individuals affected with CTNNA1-related conditions. For these reasons, this variant has been classified as Pathogenic.

Literature cited by the submitters: PubMed 32051609; PubMed 34425242.

NM_001903.5(CTNNA1):c.2032C>T (p.Gln678Ter)

Gene: CTNNA1 (catenin alpha 1; plus strand). Cytogenetic location: 5q31.2.
Variant type: single nucleotide variant.
Coding change: c.2032C>T on transcript NM_001903.5 (MANE Select); coding-DNA position 2032, C replaced by T.
Protein change: p.Gln678Ter; replaces glutamine 678 with a stop codon.
Molecular consequence: nonsense.
Genome position (GRCh38, 1-based): chr5:138,930,494, C>T. VCF-style: chr5-138930494-C-T. GRCh37 (hg19) VCF-style: chr5-138266183-C-T.
Other names: c.922C>T, p.Gln308Ter (NM_001323993.1, NM_001323994.1, NM_001323995.1 and 17 more transcripts); c.2032C>T, p.Gln678Ter (NM_001290307.3, NM_001323982.2, NM_001323983.1 and 2 more transcripts); c.1723C>T, p.Gln575Ter (NM_001290309.3); c.1663C>T, p.Gln555Ter (NM_001290310.3); c.1939C>T, p.Gln647Ter (NM_001323986.2); c.583C>T, p.Gln195Ter (NM_001324006.1, NM_001324007.1, NM_001324008.1 and 2 more transcripts); c.829C>T, p.Gln277Ter (NM_001324011.1); c.679C>T, p.Gln227Ter (NM_001324012.1, NM_001324013.1); short protein forms Q227*, Q647*, Q277*, Q308*, Q575*, Q555*, Q195*, Q678*.
Identifiers: ClinVar variation 2704439 (VCV002704439.3), dbSNP rs1765079997, ClinGen allele CA361133338.
Genomic context (GRCh38, chr5:138,930,494, plus strand): 5'-TTCTTTTTATGTAAGAGCTCTTTGTGCTTCTGATCACAGGCGATCATGGCTCAGCTTCCC[C>T]AGGAGCAAAAAGCGAAGATTGCGGAACAGGTGGCCAGCTTCCAGGAAGAAAAGAGCAAGC-3'